The following is an entry in ClinVar:

ClinVar aggregate classification (germline): Pathogenic. Review status: criteria provided, multiple submitters, no conflicts (2 of 4 stars). 2 submissions from 2 submitters: Pathogenic (2). Last evaluated 2025-08-22.

Conditions:
Biotin-responsive basal ganglia disease (BTBGD). Also called: Thiamine Transporter-2 Deficiency; THIAMINE METABOLISM DYSFUNCTION SYNDROME 2 (BIOTIN- AND THIAMINE-RESPONSIVE TYPE); Thiamine metabolism dysfunction syndrome type 2; thiamine-responsive encephalopathy; Thiamine metabolism dysfunction syndrome 2 (biotin- or thiamine-responsive encephalopathy type 2). Identifiers: Orphanet 199348, Orphanet 65284, MedGen C1843807, MONDO:0011841, OMIM 607483.

Submissions (2):

Labcorp Genetics (formerly Invitae), Labcorp
Classification: Pathogenic for Biotin-responsive basal ganglia disease. Last evaluated: 2025-08-22. Review status: criteria provided, single submitter. Criteria: Invitae Variant Classification Sherloc (09022015). Collection method: clinical testing. Allele origin: germline.
Comment: This sequence change creates a premature translational stop signal (p.Trp59*) in the SLC19A3 gene. It is expected to result in an absent or disrupted protein product. Loss-of-function variants in SLC19A3 are known to be pathogenic (PMID: 23423671, 23482991). This variant is not present in population databases (gnomAD no frequency). This premature translational stop signal has been observed in individual(s) with biotin-responsive basal ganglia disease (PMID: 37628588). ClinVar contains an entry for this variant (Variation ID: 2840050). Algorithms developed to predict the effect of sequence changes on RNA splicing suggest that this variant may disrupt the consensus splice site. For these reasons, this variant has been classified as Pathogenic.

Myriad Genetics, Inc.
Classification: Pathogenic for Biotin-responsive basal ganglia disease. Last evaluated: 2024-12-21. Review status: criteria provided, single submitter. Criteria: Myriad Autosomal Dominant, Autosomal Recessive and X-Linked Classification Criteria (2023). Collection method: clinical testing. Allele origin: unknown.
Comment: NM_025243.3(SLC19A3):c.177G>A(W59*) is expected to be pathogenic in the context of biotin-thiamine-responsive basal ganglia disease. This variant is predicted to lead to an abnormal or absent protein product due to the creation of a premature termination codon in SLC19A3, a gene where loss-of-function variants are known to be pathogenic. Please note: this variant was assessed in the context of healthy population screening.

Literature cited by the submitters: PubMed 23423671 (cited by Labcorp Genetics (formerly Invitae), Labcorp); PubMed 23482991 (cited by Labcorp Genetics (formerly Invitae), Labcorp); PubMed 37628588 (cited by Labcorp Genetics (formerly Invitae), Labcorp).

NM_025243.4(SLC19A3):c.177G>A (p.Trp59Ter)

Gene: SLC19A3 (solute carrier family 19 member 3; minus strand). Cytogenetic location: 2q36.3.
Variant type: single nucleotide variant.
Coding change: c.177G>A on transcript NM_025243.4 (MANE Select); coding-DNA position 177, G replaced by A.
Protein change: p.Trp59Ter; replaces tryptophan 59 with a stop codon.
Molecular consequence: nonsense.
Genome position (GRCh38, 1-based): chr2:227,699,538, C>T on the plus strand (G>A on the coding strand, the complement: SLC19A3 is on the minus strand). VCF-style: chr2-227699538-C-T. GRCh37 (hg19) VCF-style: chr2-228564254-C-T.
Other names: c.177G>A, p.Trp59Ter (NM_001371411.1, NM_001371412.1); c.165G>A, p.Trp55Ter (NM_001371413.1, NM_001371414.1); short protein forms W59*, W55*.
Identifiers: ClinVar variation 2840050 (VCV002840050.4), dbSNP rs2470575306, ClinGen allele CA350877770.